The following is an entry in ClinVar:

ClinVar aggregate classification (germline): Conflicting classifications of pathogenicity. Review status: criteria provided, conflicting classifications (1 of 4 stars). 3 submissions from 3 submitters: Uncertain significance (1); Likely benign (2). Last evaluated 2025-05-23.

Allele frequency attached by ClinVar (database versions not stated): ExAC 0.00001.
gnomAD v4.1: 24 of 1,612,152 alleles (0.0015%); highest among the groups gnomAD compares: Non-Finnish European, 0.0017%; no homozygotes.

Submissions (3):

Labcorp Genetics (formerly Invitae), Labcorp
Classification: Likely benign. Last evaluated: 2025-05-23. Review status: criteria provided, single submitter. Criteria: Invitae Variant Classification Sherloc (09022015). Collection method: clinical testing. Allele origin: germline.

Blueprint Genetics
Classification: Likely benign. Last evaluated: 2024-11-23. Review status: criteria provided, single submitter. Criteria: ACMG Guidelines, 2015. Collection method: clinical testing. Allele origin: germline.

GeneDx
Classification: Uncertain significance. Last evaluated: 2023-03-20. Review status: criteria provided, single submitter. Criteria: GeneDx Variant Classification Process June 2021. Collection method: clinical testing. Allele origin: germline. Affected: yes.
Comment: Not observed at significant frequency in large population cohorts (gnomAD); In silico analysis supports that this variant does not alter splicing; Has not been previously published as pathogenic or benign to our knowledge

NM_006767.4(LZTR1):c.2326-10G>A

Gene: LZTR1 (leucine zipper like post translational regulator 1; plus strand). Cytogenetic location: 22q11.21.
Variant type: single nucleotide variant.
Coding change: c.2326-10G>A on transcript NM_006767.4 (MANE Select); 10 bases into the intron before coding-DNA position 2326, G replaced by A.
Molecular consequence: intron variant.
Genome position (GRCh38, 1-based): chr22:20,996,876, G>A. VCF-style: chr22-20996876-G-A. GRCh37 (hg19) VCF-style: chr22-21351165-G-A.
Identifiers: ClinVar variation 1572303 (VCV001572303.10), dbSNP rs778909787, ClinGen allele CA10119362.